The following is an entry in ClinVar:

NM_001352514.2(HLCS):c.449A>G (p.Asp150Gly)

Gene: HLCS (holocarboxylase synthetase; minus strand). Cytogenetic location: 21q22.13.
Variant type: single nucleotide variant.
Coding change: c.449A>G on transcript NM_001352514.2 (MANE Select); coding-DNA position 449, A replaced by G.
Protein change: p.Asp150Gly; replaces aspartic acid 150 with glycine.
Molecular consequence: missense variant. On other transcripts: non-coding transcript variant (2).
Genome position (GRCh38, 1-based): chr21:36,938,876, T>C on the plus strand (A>G on the coding strand, the complement: HLCS is on the minus strand). VCF-style: chr21-36938876-T-C. GRCh37 (hg19) VCF-style: chr21-38311176-T-C.
Other names: c.8A>G, p.Asp3Gly (NM_000411.8, NM_001242784.3, NM_001242785.2 and 4 more transcripts); short protein forms D150G, D3G.
Identifiers: ClinVar variation 1503487 (VCV001503487.8), dbSNP rs761490181, ClinGen allele CA10020782.

ClinVar aggregate classification (germline): Uncertain significance (1 of 4 stars; one submission).

Conditions:
Holocarboxylase synthetase deficiency. Also called: MULTIPLE CARBOXYLASE DEFICIENCY, EARLY ONSET. Identifiers: Orphanet 79242, MedGen C0268581, MONDO:0009666, OMIM 253270.

Allele frequency attached by ClinVar (database versions not stated): gnomAD exomes below 0.00001; ExAC 0.00001.
gnomAD v4.1: 1 of 1,614,108 alleles (0.000062%); highest among the groups gnomAD compares: East Asian, 0.0022%; no homozygotes.

Submission:

Labcorp Genetics (formerly Invitae), Labcorp
Classification: Uncertain significance for Holocarboxylase synthetase deficiency. Last evaluated: 2023-08-04. Review status: criteria provided, single submitter. Criteria: Invitae Variant Classification Sherloc (09022015). Collection method: clinical testing. Allele origin: germline.
Comment: ClinVar contains an entry for this variant (Variation ID: 1503487). This variant has not been reported in the literature in individuals affected with HLCS-related conditions. This variant is present in population databases (rs761490181, gnomAD 0.006%). This sequence change replaces aspartic acid, which is acidic and polar, with glycine, which is neutral and non-polar, at codon 3 of the HLCS protein (p.Asp3Gly). Advanced modeling of protein sequence and biophysical properties (such as structural, functional, and spatial information, amino acid conservation, physicochemical variation, residue mobility, and thermodynamic stability) performed at Invitae indicates that this missense variant is not expected to disrupt HLCS protein function. In summary, the available evidence is currently insufficient to determine the role of this variant in disease. Therefore, it has been classified as a Variant of Uncertain Significance.